The following is an entry in ClinVar:

ClinVar aggregate classification (germline): Uncertain significance (1 of 4 stars; one submission).

gnomAD v4.1: 8 of 1,551,538 alleles (0.00052%); highest among the groups gnomAD compares: Admixed American, 0.002%; no homozygotes.

Submission:

Labcorp Genetics (formerly Invitae), Labcorp
Classification: Uncertain significance. Last evaluated: 2025-11-04. Review status: criteria provided, single submitter. Criteria: Invitae Variant Classification Sherloc (09022015). Collection method: clinical testing. Allele origin: germline.
Comment: This sequence change replaces histidine, which is basic and polar, with arginine, which is basic and polar, at codon 1904 of the TET2 protein (p.His1904Arg). This variant is not present in population databases (gnomAD no frequency). This variant has not been reported in the literature in individuals affected with TET2-related conditions. An algorithm developed to predict the effect of missense changes on protein structure and function (PolyPhen-2) suggests that this variant is likely to be disruptive. Experimental studies have shown that this missense change affects TET2 function (PMID: 24315485). In summary, the available evidence is currently insufficient to determine the role of this variant in disease. Therefore, it has been classified as a Variant of Uncertain Significance.

Literature cited by the submitters: PubMed 24315485.

NM_001127208.3(TET2):c.5711A>G (p.His1904Arg)

Genes: TET2 (tet methylcytosine dioxygenase 2; plus strand), TET2-AS1 (TET2 antisense RNA 1; minus strand). Cytogenetic location: 4q24.
Variant type: single nucleotide variant.
Coding change: c.5711A>G on transcript NM_001127208.3 (MANE Select); coding-DNA position 5711, A replaced by G.
Protein change: p.His1904Arg; replaces histidine 1904 with arginine.
Molecular consequence: missense variant.
Genome position (GRCh38, 1-based): chr4:105,276,221, A>G. VCF-style: chr4-105276221-A-G. GRCh37 (hg19) VCF-style: chr4-106197378-A-G.
Other names: short protein forms H1904R.
Identifiers: ClinVar variation 4778973 (VCV004778973.1).